The following is an entry in ClinVar:

NM_003361.4(UMOD):c.1144A>G (p.Thr382Ala)

Gene: UMOD (uromodulin; minus strand). Cytogenetic location: 16p12.3.
Variant type: single nucleotide variant.
Coding change: c.1144A>G on transcript NM_003361.4 (MANE Select); coding-DNA position 1144, A replaced by G.
Protein change: p.Thr382Ala; replaces threonine 382 with alanine.
Molecular consequence: missense variant. On other transcripts: non-coding transcript variant (1).
Genome position (GRCh38, 1-based): chr16:20,346,164, T>C on the plus strand (A>G on the coding strand, the complement: UMOD is on the minus strand). VCF-style: chr16-20346164-T-C. GRCh37 (hg19) VCF-style: chr16-20357486-T-C.
Other names: c.1144A>G, p.Thr382Ala (NM_001008389.3, NM_001378232.1, NM_001378233.1 and 3 more transcripts); c.1243A>G, p.Thr415Ala (NM_001278614.2); short protein forms T382A, T415A.
Identifiers: ClinVar variation 2103508 (VCV002103508.4), dbSNP rs368782191, ClinGen allele CA7939290.

ClinVar aggregate classification (germline): Uncertain significance (1 of 4 stars; one submission).

Allele frequency attached by ClinVar (database versions not stated): gnomAD exomes below 0.00001; ExAC 0.00001; TOPMed 0.00003; gnomAD 0.00004; ESP Exome Variant Server 0.00008.
gnomAD v4.1: 7 of 1,614,014 alleles (0.00043%); highest among the groups gnomAD compares: African/African-American, 0.0093%; no homozygotes.

Submission:

Labcorp Genetics (formerly Invitae), Labcorp
Classification: Uncertain significance. Last evaluated: 2022-07-14. Review status: criteria provided, single submitter. Criteria: Invitae Variant Classification Sherloc (09022015). Collection method: clinical testing. Allele origin: germline.
Comment: In summary, the available evidence is currently insufficient to determine the role of this variant in disease. Therefore, it has been classified as a Variant of Uncertain Significance. Algorithms developed to predict the effect of missense changes on protein structure and function are either unavailable or do not agree on the potential impact of this missense change (SIFT: "Deleterious"; PolyPhen-2: "Probably Damaging"; Align-GVGD: "Class C0"). This variant has not been reported in the literature in individuals affected with UMOD-related conditions. This variant is present in population databases (rs368782191, gnomAD 0.007%). This sequence change replaces threonine, which is neutral and polar, with alanine, which is neutral and non-polar, at codon 382 of the UMOD protein (p.Thr382Ala).